The following is an entry in ClinVar:

NM_000321.3(RB1):c.2062_2063delinsGG (p.Leu688Gly)

Gene: RB1 (RB transcriptional corepressor 1; plus strand). Cytogenetic location: 13q14.2.
Variant type: Indel.
Coding change: c.2062_2063delinsGG on transcript NM_000321.3 (MANE Select); coding-DNA positions 2062 to 2063, CT replaced by GG.
Protein change: p.Leu688Gly; replaces leucine 688 with glycine.
Molecular consequence: missense variant.
Genome position (GRCh38, 1-based): chr13:48,459,789-48,459,790, CT replaced by GG. VCF-style: chr13-48459789-CT-GG. GRCh37 (hg19) VCF-style: chr13-49033925-CT-GG.
Other names: c.2062_2063delinsGG, p.Leu688Gly (NM_001407165.1); short protein forms L688G.
Identifiers: ClinVar variation 3237048 (VCV003237048.1), dbSNP rs2542368417.

ClinVar aggregate classification (germline): Uncertain significance (1 of 4 stars; one submission).

Conditions:
Retinoblastoma (RB1). Also called: RETINOBLASTOMA, SOMATIC. Identifiers: Orphanet 790, MedGen C0035335, MeSH D012175, MONDO:0008380, OMIM 180200, HP:0009919. Disease mechanism: loss of function. Inheritance: Both sporadic and heritable forms are tested..

Submission:

Genetic Diagnostic Laboratory, University of Pennsylvania School of Medicine
Classification: Uncertain significance for Retinoblastoma. Last evaluated: 2024-05-20. Review status: criteria provided, single submitter. Criteria: ACMG Guidelines, 2015. Collection method: clinical testing. Allele origin: germline. Affected: yes. Observed: 2 variant alleles.
Comment: Case and Pedigree Information: BILATERAL CASES:1, UNILATERAL CASES:1, TOTAL CASES:2, PEDIGREES:1. ACMG Codes Applied:PM1, PM2